The following is an entry in ClinVar:

ClinVar aggregate classification (germline): Pathogenic (1 of 4 stars; one submission).

Conditions:
Marfan syndrome (MFS). Also called: MARFAN SYNDROME, TYPE I; Marfan syndrome type 1; Marfan's syndrome; Marfan syndrome, classic; FBN1-Related Marfan Syndrome. Identifiers: Orphanet 284963, Orphanet 558, MedGen C0024796, MONDO:0007947, OMIM 154700.
Familial thoracic aortic aneurysm and aortic dissection (TAAD). Also called: Thoracic aortic aneurysms and dissections. Identifiers: Orphanet 91387, MedGen C4707243, MONDO:0019625.

Submission:

Labcorp Genetics (formerly Invitae), Labcorp
Classification: Pathogenic for Marfan syndrome; Familial thoracic aortic aneurysm and aortic dissection. Last evaluated: 2023-01-13. Review status: criteria provided, single submitter. Criteria: Invitae Variant Classification Sherloc (09022015). Collection method: clinical testing. Allele origin: germline.
Comment: For these reasons, this variant has been classified as Pathogenic. Algorithms developed to predict the effect of sequence changes on RNA splicing suggest that this variant may disrupt the consensus splice site. Disruption of this splice site has been observed in individual(s) with clinical features of Marfan syndrome (Invitae). This variant is not present in population databases (gnomAD no frequency). This sequence change affects an acceptor splice site in intron 57 of the FBN1 gene. It is expected to disrupt RNA splicing. Variants that disrupt the donor or acceptor splice site typically lead to a loss of protein function (PMID: 16199547), and loss-of-function variants in FBN1 are known to be pathogenic (PMID: 17657824, 19293843).

Literature cited by the submitters: PubMed 16199547; PubMed 17657824; PubMed 19293843.

NM_000138.5(FBN1):c.6998-1G>A

Gene: FBN1 (fibrillin 1; minus strand). Cytogenetic location: 15q21.1.
Variant type: single nucleotide variant.
Coding change: c.6998-1G>A on transcript NM_000138.5 (MANE Select); the canonical splice acceptor site of the intron before coding-DNA position 6998, G replaced by A.
Molecular consequence: splice acceptor variant.
Genome position (GRCh38, 1-based): chr15:48,427,774, C>T on the plus strand (G>A on the coding strand, the complement: FBN1 is on the minus strand). VCF-style: chr15-48427774-C-T. GRCh37 (hg19) VCF-style: chr15-48719971-C-T.
Other names: c.6998-1G>A (NM_001406716.1).
Identifiers: ClinVar variation 2943161 (VCV002943161.3), dbSNP rs2505412931, ClinGen allele CA392330376.